The following is an entry in ClinVar:

ClinVar aggregate classification (germline): Likely pathogenic (1 of 4 stars; one submission).

Conditions:
Distal myopathy with posterior leg and anterior hand involvement. Also called: WILLIAMS DISTAL MYOPATHY. Identifiers: Orphanet 63273, MedGen C3279722, MONDO:0013550, OMIM 614065.
Hypertrophic cardiomyopathy 26. Also called: Cardiomyopathy, familial hypertrophic, 26. Identifiers: Orphanet 75249, MedGen C4310749, MONDO:0014883, OMIM 617047.
Myofibrillar myopathy 5. Also called: Filaminopathy (type); FILAMINOPATHY, AUTOSOMAL DOMINANT. Identifiers: Orphanet 171445, MedGen C1836050, MONDO:0012289, OMIM 609524.

Submission:

Labcorp Genetics (formerly Invitae), Labcorp
Classification: Likely pathogenic for Distal myopathy with posterior leg and anterior hand involvement; Myofibrillar myopathy 5; Hypertrophic cardiomyopathy 26. Last evaluated: 2024-08-01. Review status: criteria provided, single submitter. Criteria: Invitae Variant Classification Sherloc (09022015). Collection method: clinical testing. Allele origin: germline.
Comment: This sequence change affects a donor splice site in intron 1 of the FLNC gene. It is expected to disrupt RNA splicing. Variants that disrupt the donor or acceptor splice site typically lead to a loss of protein function (PMID: 16199547), and loss-of-function variants in FLNC are known to be pathogenic (PMID: 27908349). This variant is not present in population databases (gnomAD no frequency). This variant has not been reported in the literature in individuals affected with FLNC-related conditions. Algorithms developed to predict the effect of sequence changes on RNA splicing suggest that this variant may disrupt the consensus splice site. In summary, the currently available evidence indicates that the variant is pathogenic, but additional data are needed to prove that conclusively. Therefore, this variant has been classified as Likely Pathogenic.

Literature cited by the submitters: PubMed 16199547; PubMed 27908349.

NM_001458.5(FLNC):c.352+1G>A

Gene: FLNC (filamin C; plus strand). Cytogenetic location: 7q32.1.
Variant type: single nucleotide variant.
Coding change: c.352+1G>A on transcript NM_001458.5 (MANE Select); the canonical splice donor site of the intron after coding-DNA position 352, G replaced by A.
Molecular consequence: splice donor variant.
Genome position (GRCh38, 1-based): chr7:128,830,990, G>A. VCF-style: chr7-128830990-G-A. GRCh37 (hg19) VCF-style: chr7-128471044-G-A.
Other names: c.352+1G>A (NM_001127487.2).
Identifiers: ClinVar variation 3757506 (VCV003757506.2).